The following is an entry in ClinVar:

NM_014112.5(TRPS1):c.1652C>T (p.Pro551Leu)

Gene: TRPS1 (transcriptional repressor GATA binding 1; minus strand). Cytogenetic location: 8q23.3.
Variant type: single nucleotide variant.
Coding change: c.1652C>T on transcript NM_014112.5 (MANE Select); coding-DNA position 1652, C replaced by T.
Protein change: p.Pro551Leu; replaces proline 551 with leucine.
Molecular consequence: missense variant.
Genome position (GRCh38, 1-based): chr8:115,604,317, G>A on the plus strand (C>T on the coding strand, the complement: TRPS1 is on the minus strand). VCF-style: chr8-115604317-G-A. GRCh37 (hg19) VCF-style: chr8-116616544-G-A.
Other names: c.1652C>T (NM_014112.2); c.1625C>T, p.Pro542Leu (NM_001282902.3); c.1631C>T, p.Pro544Leu (NM_001282903.3); c.1613C>T, p.Pro538Leu (NM_001330599.2); short protein forms P542L, P544L, P551L, P538L.
Identifiers: ClinVar variation 1380306 (VCV001380306.9), dbSNP rs2130491714, ClinGen allele CA372066918.
Genomic context (GRCh38, chr8:115,604,317, plus strand): 5'-TTGTGAATGTTATGGAGCTGTTGATAATGACGGAGAAGTGGCCCCACTACAATTACATCA[G>A]GGCCATGGCTTTTGGAATATCGGAAGTCACAGAACTGACAATTATAGCTCGTTACCATAT-3'
Protein context (NP_054831.2, residues 541-561): CDFRYSKSHG[Pro551Leu]DVIVVGPLLR

ClinVar aggregate classification (germline): Uncertain significance. Review status: criteria provided, multiple submitters, no conflicts (2 of 4 stars). 2 submissions from 2 submitters: Uncertain significance (2). Last evaluated 2024-12-30.

Conditions:
Trichorhinophalangeal syndrome, type III (TRPS3). Also called: SUGIO-KAJII SYNDROME. Identifiers: Orphanet 77258, MedGen C1860823, OMIM 190351, MONDO:0008597.
Trichorhinophalangeal dysplasia type I (TRPS1). Also called: TRICHORHINOPHALANGEAL SYNDROME, TYPE I; TRPS I. Identifiers: Orphanet 77258, MedGen C0432233, MONDO:0008596, OMIM 190350.
Inborn genetic diseases. Identifiers: MedGen C0950123, MeSH D030342.

Allele frequency attached by ClinVar (database versions not stated): gnomAD exomes below 0.00001.
gnomAD v4.1: 2 of 1,614,064 alleles (0.00012%); highest among the groups gnomAD compares: East Asian, 0.0022%; no homozygotes.

Submissions (2):

Ambry Genetics
Classification: Uncertain significance for Inborn genetic diseases. Last evaluated: 2024-12-30. Review status: criteria provided, single submitter. Criteria: Ambry Variant Classification Scheme 2023. Collection method: clinical testing. Allele origin: germline.

Labcorp Genetics (formerly Invitae), Labcorp
Classification: Uncertain significance for Trichorhinophalangeal syndrome, type III; Trichorhinophalangeal dysplasia type I. Last evaluated: 2021-04-15. Review status: criteria provided, single submitter. Criteria: Invitae Variant Classification Sherloc (09022015). Collection method: clinical testing. Allele origin: germline.
Comment: This variant is not present in population databases (ExAC no frequency). This sequence change replaces proline with leucine at codon 551 of the TRPS1 protein (p.Pro551Leu). The proline residue is highly conserved and there is a moderate physicochemical difference between proline and leucine. In summary, the available evidence is currently insufficient to determine the role of this variant in disease. Therefore, it has been classified as a Variant of Uncertain Significance. Algorithms developed to predict the effect of missense changes on protein structure and function are either unavailable or do not agree on the potential impact of this missense change (SIFT: "Deleterious"; PolyPhen-2: "Possibly Damaging"; Align-GVGD: "Class C0"). This variant has not been reported in the literature in individuals with TRPS1-related conditions.